The following is an entry in ClinVar:

ClinVar aggregate classification (germline): Benign/Likely benign. Review status: criteria provided, multiple submitters, no conflicts (2 of 4 stars). 5 submissions from 5 submitters: Benign (3); Likely benign (2). Last evaluated 2026-01-28.

Conditions:
Interstitial lung disease due to ABCA3 deficiency. Also called: PULMONARY ALVEOLAR PROTEINOSIS, CONGENITAL, 3. Identifiers: Orphanet 440402, MedGen C1970456, MONDO:0012582, OMIM 610921.
Hereditary pulmonary alveolar proteinosis. Also called: Pulmonary surfactant metabolism dysfunction. Identifiers: Orphanet 264675, MedGen C3711368, MONDO:0012580.

Allele frequency attached by ClinVar (database versions not stated): gnomAD exomes 0.00091; ExAC 0.00111; gnomAD 0.00355 and 0.00387; ESP Exome Variant Server 0.00362; TOPMed 0.00379; 1000 Genomes Project 0.00399; 1000 Genomes Project 30x 0.00422.
gnomAD v4.1: 1,123 of 1,613,234 alleles (0.07%); highest among the groups gnomAD compares: African/African-American, 1.3%; 4 homozygotes.

Submissions (5):

Labcorp Genetics (formerly Invitae), Labcorp
Classification: Benign. Last evaluated: 2026-01-28. Review status: criteria provided, single submitter. Criteria: Invitae Variant Classification Sherloc (09022015). Collection method: clinical testing. Allele origin: germline.

Blueprint Genetics
Classification: Likely benign. Last evaluated: 2024-10-11. Review status: criteria provided, single submitter. Criteria: ACMG Guidelines, 2015. Collection method: clinical testing. Allele origin: germline.

Illumina Laboratory Services, Illumina
Classification: Benign for Interstitial lung disease due to ABCA3 deficiency. Last evaluated: 2018-01-12. Review status: criteria provided, single submitter. Criteria: ICSL Variant Classification Criteria 13 December 2019. Collection method: clinical testing. Allele origin: germline.
Comment: This variant was observed in the ICSL laboratory as part of a predisposition screen in an ostensibly healthy population. It had not been previously curated by ICSL or reported in the Human Gene Mutation Database (HGMD: prior to June 1st, 2018), and was therefore a candidate for classification through an automated scoring system. Utilizing variant allele frequency, disease prevalence and penetrance estimates, and inheritance mode, an automated score was calculated to assess if this variant is too frequent to cause the disease. Based on the score and internal cut-off values, a variant classified as benign is not then subjected to further curation. The score for this variant resulted in a classification of benign for this disease.

Ambry Genetics
Classification: Likely benign for Hereditary pulmonary alveolar proteinosis. Last evaluated: 2014-09-02. Review status: criteria provided, single submitter. Criteria: Ambry Variant Classification Scheme 2023. Collection method: clinical testing. Allele origin: germline.

Breakthrough Genomics
Classification: Benign. Review status: criteria provided, single submitter. Criteria: ACMG Guidelines, 2015. Collection method: not provided. Allele origin: germline. Inheritance: Autosomal recessive inheritance. Affected: yes.

NM_001089.3(ABCA3):c.614-9C>T

Gene: ABCA3 (ATP binding cassette subfamily A member 3; minus strand). Cytogenetic location: 16p13.3.
Variant type: single nucleotide variant.
Coding change: c.614-9C>T on transcript NM_001089.3 (MANE Select); 9 bases into the intron before coding-DNA position 614, C replaced by T.
Molecular consequence: intron variant.
Genome position (GRCh38, 1-based): chr16:2,319,849, G>A on the plus strand (C>T on the coding strand, the complement: ABCA3 is on the minus strand). VCF-style: chr16-2319849-G-A. GRCh37 (hg19) VCF-style: chr16-2369850-G-A.
Identifiers: ClinVar variation 318571 (VCV000318571.18), dbSNP rs45459699, ClinGen allele CA7841575.